The following is an entry in ClinVar:

ClinVar aggregate classification (germline): Uncertain significance (1 of 4 stars; one submission).

Conditions:
Methylmalonic aciduria due to methylmalonyl-CoA mutase deficiency (MAMM). Also called: Methylmalonic aciduria, mut type. Identifiers: Orphanet 27, MedGen C1855114, MONDO:0009612, OMIM 251000.

Submission:

Juno Genomics, Hangzhou Juno Genomics, Inc
Classification: Uncertain significance for Methylmalonic aciduria due to methylmalonyl-CoA mutase deficiency. Review status: criteria provided, single submitter. Criteria: ACMG Guidelines, 2015. Collection method: clinical testing. Allele origin: germline.
Comment: Absent from controls (or at extremely low frequency if recessive) in Genome Aggregation Database.;Multiple lines of computational evidence support a deleterious effect on the gene or gene product.

NM_000255.4(MMUT):c.1475A>G (p.Tyr492Cys)

Gene: MMUT (methylmalonyl-CoA mutase; minus strand). Cytogenetic location: 6p12.3.
Variant type: single nucleotide variant.
Coding change: c.1475A>G on transcript NM_000255.4 (MANE Select); coding-DNA position 1475, A replaced by G.
Protein change: p.Tyr492Cys; replaces tyrosine 492 with cysteine.
Molecular consequence: missense variant.
Genome position (GRCh38, 1-based): chr6:49,447,755, T>C on the plus strand (A>G on the coding strand, the complement: MMUT is on the minus strand). VCF-style: chr6-49447755-T-C. GRCh37 (hg19) VCF-style: chr6-49415468-T-C.
Other names: short protein forms Y492C.
Identifiers: ClinVar variation 5018581 (VCV005018581.2).